The following is an entry in ClinVar:

NM_020987.5(ANK3):c.3361C>G (p.Arg1121Gly)

Gene: ANK3 (ankyrin 3; minus strand). Cytogenetic location: 10q21.2.
Variant type: single nucleotide variant.
Coding change: c.3361C>G on transcript NM_020987.5 (MANE Select); coding-DNA position 3361, C replaced by G.
Protein change: p.Arg1121Gly; replaces arginine 1121 with glycine.
Molecular consequence: missense variant.
Genome position (GRCh38, 1-based): chr10:60,088,326, G>C on the plus strand (C>G on the coding strand, the complement: ANK3 is on the minus strand). VCF-style: chr10-60088326-G-C. GRCh37 (hg19) VCF-style: chr10-61848084-G-C.
Other names: c.763C>G, p.Arg255Gly (NM_001149.4); c.3343C>G, p.Arg1115Gly (NM_001204403.2); c.3364C>G, p.Arg1122Gly (NM_001204404.2); c.3361C>G, p.Arg1121Gly (NM_001320874.2); short protein forms R1115G, R1121G, R1122G, R255G.
Identifiers: ClinVar variation 3383657 (VCV003383657.2).

ClinVar aggregate classification (germline): Uncertain significance (1 of 4 stars; one submission).

gnomAD v4.1: 1 of 1,614,152 alleles (0.000062%); highest among the groups gnomAD compares: Non-Finnish European, 0.000085%; no homozygotes.

Submission:

GeneDx
Classification: Uncertain significance. Last evaluated: 2025-12-29. Review status: criteria provided, single submitter. Criteria: GeneDx Variant Classification Process June 2021. Collection method: clinical testing. Allele origin: germline. Affected: yes.
Comment: Not observed at significant frequency in large population cohorts (gnomAD); In silico analysis supports that this missense variant has a deleterious effect on protein structure/function; Has not been previously published as pathogenic or benign to our knowledge